The following is an entry in ClinVar:

NM_000152.5(GAA):c.819G>A (p.Trp273Ter)

Gene: GAA (alpha glucosidase; plus strand). Cytogenetic location: 17q25.3.
Variant type: single nucleotide variant.
Coding change: c.819G>A on transcript NM_000152.5 (MANE Select); coding-DNA position 819, G replaced by A.
Protein change: p.Trp273Ter; replaces tryptophan 273 with a stop codon.
Molecular consequence: nonsense.
Genome position (GRCh38, 1-based): chr17:80,107,683, G>A. VCF-style: chr17-80107683-G-A. GRCh37 (hg19) VCF-style: chr17-78081482-G-A.
Other names: c.819G>A, p.Trp273Ter (NM_001079803.3, NM_001079804.3, NM_001406741.1 and 1 more transcripts); short protein forms W273*.
Identifiers: ClinVar variation 4068164 (VCV004068164.2).

ClinVar aggregate classification (germline): Likely pathogenic (1 of 4 stars; one submission).

Conditions:
Glycogen storage disease, type II (IOPD). Also called: CARDIOMEGALIA GLYCOGENICA DIFFUSA; GLYCOGENOSIS, GENERALIZED, CARDIAC FORM; GSD II; Glycogen storage disease type 2; Acid maltase deficiency disease; Aglucosidase alfa. Identifiers: Orphanet 365, MedGen C0017921, MONDO:0009290, OMIM 232300.

Submission:

Natera, Inc.
Classification: Likely pathogenic for Glycogen storage disease type II. Last evaluated: 2025-03-16. Review status: criteria provided, single submitter. Criteria: Natera Variant Classification Schema (03/2026). Collection method: clinical testing. Allele origin: germline.
Comment: The c.819G>A variant in GAA is a nonsense variant predicted to introduce a stop codon at amino acid 273. This variant is expected to result in nonsense mediated decay, truncation, or a dysfunctional protein product. This variant is rare in the general population with a frequency below the threshold expected for the associated phenotype(s). Given the available evidence, this variant is classified as Likely Pathogenic.